The following is an entry in ClinVar:

NM_000038.6(APC):c.3770A>C (p.Glu1257Ala)

Gene: APC (APC regulator of Wnt signaling pathway; plus strand). Cytogenetic location: 5q22.2.
Variant type: single nucleotide variant.
Coding change: c.3770A>C on transcript NM_000038.6 (MANE Select); coding-DNA position 3770, A replaced by C.
Protein change: p.Glu1257Ala; replaces glutamic acid 1257 with alanine.
Molecular consequence: missense variant.
Genome position (GRCh38, 1-based): chr5:112,839,364, A>C. VCF-style: chr5-112839364-A-C. GRCh37 (hg19) VCF-style: chr5-112175061-A-C.
Other names: c.3770A>C, p.Glu1257Ala (NM_001127510.3, NM_001354895.2); c.3716A>C, p.Glu1239Ala (NM_001127511.3); c.3824A>C, p.Glu1275Ala (NM_001354896.2); c.3800A>C, p.Glu1267Ala (NM_001354897.2); c.3695A>C, p.Glu1232Ala (NM_001354898.2); c.3686A>C, p.Glu1229Ala (NM_001354899.2); c.3647A>C, p.Glu1216Ala (NM_001354900.2); c.3593A>C, p.Glu1198Ala (NM_001354901.2); and 5 more; short protein forms E1156A, E1232A, E1097A, E1198A, E1216A, E1229A, E1239A, E1275A.
Identifiers: ClinVar variation 824186 (VCV000824186.13), dbSNP rs1580639857, ClinGen allele CA16029601.

ClinVar aggregate classification (germline): Uncertain significance. Review status: criteria provided, multiple submitters, no conflicts (2 of 4 stars). 3 submissions from 3 submitters: Uncertain significance (3). Last evaluated 2025-05-30.

Conditions:
Hereditary cancer-predisposing syndrome. Also called: Neoplastic Syndromes, Hereditary; Tumor predisposition; Hereditary neoplastic syndrome; Hereditary Cancer Syndrome. Identifiers: Orphanet 140162, MedGen C0027672, MeSH D009386, MONDO:0015356.
Familial adenomatous polyposis 1 (FAP1). Also called: POLYPOSIS, ADENOMATOUS INTESTINAL; FAMILIAL ADENOMATOUS POLYPOSIS 1, ATTENUATED. Identifiers: MedGen C2713442, MONDO:0021056, OMIM 175100. Disease mechanism: loss of function.

Submissions (3):

Color Diagnostics, LLC DBA Color Health
Classification: Uncertain significance for Hereditary cancer-predisposing syndrome. Last evaluated: 2025-05-30. Review status: criteria provided, single submitter. Criteria: ACMG Guidelines, 2015. Collection method: clinical testing. Allele origin: germline.
Comment: This missense variant replaces glutamic acid with alanine at codon 1257 of the APC protein. Computational prediction is inconclusive regarding the impact of this variant on protein structure and function. To our knowledge, functional studies have not been reported for this variant. This variant has not been reported in individuals affected with APC-related disorders in the literature. This variant has not been identified in the general population by the Genome Aggregation Database (gnomAD). The available evidence is insufficient to determine the role of this variant in disease conclusively. Therefore, this variant is classified as a Variant of Uncertain Significance.

Ambry Genetics
Classification: Uncertain significance for Hereditary cancer-predisposing syndrome. Last evaluated: 2024-11-12. Review status: criteria provided, single submitter. Criteria: Ambry Variant Classification Scheme 2023. Collection method: clinical testing. Allele origin: germline.
Comment: The p.E1257A variant (also known as c.3770A>C), located in coding exon 15 of the APC gene, results from an A to C substitution at nucleotide position 3770. The glutamic acid at codon 1257 is replaced by alanine, an amino acid with dissimilar properties. This amino acid position is highly conserved in available vertebrate species. In addition, in silico predictors for this gene do not accurately predict pathogenicity. Missense alterations in APC are not a common cause of disease (Spier I et al. Genet Med. 2024 Feb;26(2):100992). Based on the available evidence, the clinical significance of this variant remains unclear.

Labcorp Genetics (formerly Invitae), Labcorp
Classification: Uncertain significance for Familial adenomatous polyposis 1. Last evaluated: 2022-10-25. Review status: criteria provided, single submitter. Criteria: Invitae Variant Classification Sherloc (09022015). Collection method: clinical testing. Allele origin: germline.
Comment: This sequence change replaces glutamic acid, which is acidic and polar, with alanine, which is neutral and non-polar, at codon 1257 of the APC protein (p.Glu1257Ala). This variant is not present in population databases (gnomAD no frequency). This variant has not been reported in the literature in individuals affected with APC-related conditions. ClinVar contains an entry for this variant (Variation ID: 824186). Advanced modeling of protein sequence and biophysical properties (such as structural, functional, and spatial information, amino acid conservation, physicochemical variation, residue mobility, and thermodynamic stability) performed at Invitae indicates that this missense variant is not expected to disrupt APC protein function. In summary, the available evidence is currently insufficient to determine the role of this variant in disease. Therefore, it has been classified as a Variant of Uncertain Significance.